The following is an entry in ClinVar:

ClinVar aggregate classification (germline): Uncertain significance (1 of 4 stars; one submission).

gnomAD v4.1: 1 of 1,612,838 alleles (0.000062%); no homozygotes.

Submission:

GeneDx
Classification: Uncertain significance. Last evaluated: 2022-05-16. Review status: criteria provided, single submitter. Criteria: GeneDx Variant Classification Process June 2021. Collection method: clinical testing. Allele origin: germline. Affected: yes.
Comment: Not observed at significant frequency in large population cohorts (gnomAD); In silico analysis supports that this missense variant has a deleterious effect on protein structure/function; Missense variant in a gene in which most reported pathogenic variants are truncating/loss of function; Has not been previously published as pathogenic or benign to our knowledge

NM_018136.5(ASPM):c.1113C>G (p.Phe371Leu)

Gene: ASPM (assembly factor for spindle microtubules; minus strand). Cytogenetic location: 1q31.3.
Variant type: single nucleotide variant.
Coding change: c.1113C>G on transcript NM_018136.5 (MANE Select); coding-DNA position 1113, C replaced by G.
Protein change: p.Phe371Leu; replaces phenylalanine 371 with leucine.
Molecular consequence: missense variant.
Genome position (GRCh38, 1-based): chr1:197,143,139, G>C on the plus strand (C>G on the coding strand, the complement: ASPM is on the minus strand). VCF-style: chr1-197143139-G-C. GRCh37 (hg19) VCF-style: chr1-197112269-G-C.
Other names: c.1113C>G, p.Phe371Leu (NM_001206846.2); short protein forms F371L.
Identifiers: ClinVar variation 1800498 (VCV001800498.1), dbSNP rs2527404137, ClinGen allele CA344017554.